The following is an entry in ClinVar:

NM_004972.4(JAK2):c.3060-8884G>A

Genes: INSL6 (insulin like 6; minus strand), JAK2 (Janus kinase 2; plus strand). Cytogenetic location: 9p24.1.
Variant type: single nucleotide variant.
Coding change: c.3060-8884G>A on transcript NM_004972.4 (MANE Select); 8884 bases into the intron before coding-DNA position 3060, G replaced by A.
Molecular consequence: intron variant.
Genome position (GRCh38, 1-based): chr9:5,114,120, G>A. VCF-style: chr9-5114120-G-A. GRCh37 (hg19) VCF-style: chr9-5114120-G-A.
Other names: c.3060-8884G>A (NM_001322194.2, NM_001322195.2, NM_001322196.2); c.1845-8884G>A (NM_001322198.2, NM_001322199.2); c.2613-8884G>A (NM_001322204.2).
Identifiers: ClinVar variation 2659046 (VCV002659046.24), dbSNP rs117861786, ClinGen allele CA188437252.

ClinVar aggregate classification (germline): Benign (1 of 4 stars; one submission).

Allele frequency attached by ClinVar (database versions not stated): 1000 Genomes Project 30x 0.00219; 1000 Genomes Project 0.00240; TOPMed 0.00473; gnomAD 0.00509; gnomAD exomes 0.00572.
gnomAD v4.1: 1,939 of 355,686 alleles (0.55%); highest among the groups gnomAD compares: Non-Finnish European, 0.83%; 13 homozygotes.

Submission:

CeGaT Center for Human Genetics Tuebingen
Classification: Benign. Last evaluated: 2023-01-01. Review status: criteria provided, single submitter. Criteria: CeGaT Center For Human Genetics Tuebingen Variant Classification Criteria Version 2. Collection method: clinical testing. Allele origin: germline. Affected: yes. Observed: 4 variant alleles.
Comment: JAK2: BS1, BS2